The following is an entry in ClinVar:

NM_002860.4(ALDH18A1):c.492C>T (p.Ala164=)

Gene: ALDH18A1 (aldehyde dehydrogenase 18 family member A1; minus strand). Cytogenetic location: 10q24.1.
Variant type: single nucleotide variant.
Coding change: c.492C>T on transcript NM_002860.4 (MANE Select); coding-DNA position 492, C replaced by T.
Protein change: p.Ala164=; no amino-acid change (alanine 164 retained).
Molecular consequence: synonymous variant. On other transcripts: intron variant (2).
Genome position (GRCh38, 1-based): chr10:95,637,159, G>A on the plus strand (C>T on the coding strand, the complement: ALDH18A1 is on the minus strand). VCF-style: chr10-95637159-G-A. GRCh37 (hg19) VCF-style: chr10-97396916-G-A.
Other names: c.492C>T, p.Ala164= (NM_001017423.2, NM_001323413.2, NM_001323414.2 and 1 more transcripts); c.159C>T, p.Ala53= (NM_001323412.2, NM_001323416.2, NM_001323418.2); c.-78-3510C>T (NM_001323419.2); c.453+128C>T (NM_001323417.2).
Identifiers: ClinVar variation 301775 (VCV000301775.47), dbSNP rs150472102, ClinGen allele CA5620588.
Genomic context (GRCh38, chr10:95,637,159, plus strand): 5'-AGCACAGATGCTGTACTGGGTAAACATAGCCTCATACAAGGCCATCAGCCCACTCTGTCC[G>A]GCAGCTGCACAGGCTCGTGCCTCTAAGACTGGAATTGCCTGTAATATACCAATGAGACAA-3'
Protein context (NP_002851.2, residues 154-174): PVLEARACAA[Ala164=]GQSGLMALYE

ClinVar aggregate classification (germline): Conflicting classifications of pathogenicity. Review status: criteria provided, conflicting classifications (1 of 4 stars). 7 submissions from 7 submitters: Uncertain significance (2); Likely benign (4). 1 of the submissions does not count toward it. Last evaluated 2026-01-27.

Conditions:
ALDH18A1-related de Barsy syndrome. Also called: Cutis laxa, autosomal recessive IIIA; DE BARSY SYNDROME A. Identifiers: Orphanet 2962, Orphanet 35664, MedGen C5234852, MONDO:0009053, OMIM 219150.
Cutis laxa, autosomal dominant 3 (ADCL3). Identifiers: Orphanet 90348, MedGen C4225268, MONDO:0014706, OMIM 616603.
Autosomal dominant spastic paraplegia type 9. Identifiers: MedGen C1832669, MONDO:0015091.
de Barsy syndrome. Also called: Cutis laxa-corneal clouding-oligophrenia syndrome. Identifiers: Orphanet 2962, MedGen C0268354, MONDO:0017569.
ALDH18A1-related disorder. Also called: ALDH18A1-related disorders.
Hereditary spastic paraplegia. Also called: Familial spastic paraparesis. Identifiers: Orphanet 685, MedGen C0037773, MONDO:0019064. Disease mechanism: loss of function.

Allele frequency attached by ClinVar (database versions not stated): ExAC 0.00026; gnomAD exomes 0.00031; gnomAD 0.00032; 1000 Genomes Project 0.00080; 1000 Genomes Project 30x 0.00094; ESP Exome Variant Server 0.00015; TOPMed 0.00020.
gnomAD v4.1: 542 of 1,614,164 alleles (0.034%); highest among the groups gnomAD compares: Middle Eastern, 0.23%; 1 homozygote.

Submissions (7):

Labcorp Genetics (formerly Invitae), Labcorp
Classification: Likely benign for Autosomal dominant spastic paraplegia type 9; de Barsy syndrome; Cutis laxa, autosomal dominant 3. Last evaluated: 2026-01-27. Review status: criteria provided, single submitter. Criteria: Invitae Variant Classification Sherloc (09022015). Collection method: clinical testing. Allele origin: germline.

CeGaT Center for Human Genetics Tuebingen
Classification: Likely benign. Last evaluated: 2025-12-01. Review status: criteria provided, single submitter. Criteria: CeGaT Center For Human Genetics Tuebingen Variant Classification Criteria Version 2. Collection method: clinical testing. Allele origin: germline. Affected: yes. Observed: 6 variant alleles.
Comment: ALDH18A1: BP4, BP7

Blueprint Genetics
Classification: Likely benign. Last evaluated: 2024-09-03. Review status: criteria provided, single submitter. Criteria: ACMG Guidelines, 2015. Collection method: clinical testing. Allele origin: germline.

GeneDx
Classification: Likely benign. Last evaluated: 2021-04-07. Review status: criteria provided, single submitter. Criteria: GeneDx Variant Classification Process June 2021. Collection method: clinical testing. Allele origin: germline. Affected: yes.

Illumina Laboratory Services, Illumina
Classification: Uncertain significance for ALDH18A1-related de Barsy syndrome. Last evaluated: 2018-01-13. Review status: criteria provided, single submitter. Criteria: ICSL Variant Classification Criteria 13 December 2019. Collection method: clinical testing. Allele origin: germline.

Genome Diagnostics Laboratory, The Hospital for Sick Children
Classification: Uncertain significance for Hereditary spastic paraplegia. Last evaluated: 2017-01-03. Review status: criteria provided, single submitter. Criteria: ACMG Guidelines, 2015. Collection method: clinical testing. Allele origin: germline. Affected: yes.

PreventionGenetics, part of Exact Sciences
Classification: Likely benign for ALDH18A1-related condition. Last evaluated: 2019-08-07. Review status: no assertion criteria provided. Collection method: clinical testing. Allele origin: germline. Not counted in ClinVar's aggregate classification.
Comment: This variant is classified as likely benign based on ACMG/AMP sequence variant interpretation guidelines (Richards et al. 2015 PMID: 25741868, with internal and published modifications).